The following is an entry in ClinVar:

NC_000005.9:g.(?_82400739)_(82407042_?)del

Gene: XRCC4 (X-ray repair cross complementing 4; plus strand). Cytogenetic location: 5q14.2.
Variant type: Deletion.
Identifiers: ClinVar variation 3246531 (VCV003246531.1).

ClinVar aggregate classification (germline): Pathogenic (1 of 4 stars; one submission).

Submission:

Labcorp Genetics (formerly Invitae), Labcorp
Classification: Pathogenic. Last evaluated: 2023-05-13. Review status: criteria provided, single submitter. Criteria: Invitae Variant Classification Sherloc (09022015). Collection method: clinical testing. Allele origin: unknown.
Comment: For these reasons, this variant has been classified as Pathogenic. This variant has not been reported in the literature in individuals affected with XRCC4-related conditions. This variant is a gross deletion of the genomic region encompassing exon(s) 2-3 of the XRCC4 gene, which includes the initiator codon. This deletion extends beyond the assayed region for this gene and therefore may encompass additional genes. It is expected to result in an absent or disrupted protein product. Loss-of-function variants in XRCC4 are known to be pathogenic (PMID: 25728776).

Literature cited by the submitters: PubMed 25728776.